The following is an entry in ClinVar:

NM_002476.2(MYL4):c.352C>T (p.Pro118Ser)

Gene: MYL4 (myosin light chain 4; plus strand). Cytogenetic location: 17q21.32.
Variant type: single nucleotide variant.
Coding change: c.352C>T on transcript NM_002476.2 (MANE Select); coding-DNA position 352, C replaced by T.
Protein change: p.Pro118Ser; replaces proline 118 with serine.
Molecular consequence: missense variant.
Genome position (GRCh38, 1-based): chr17:47,221,720, C>T. VCF-style: chr17-47221720-C-T. GRCh37 (hg19) VCF-style: chr17-45299086-C-T.
Other names: c.352C>T, p.Pro118Ser (NM_001002841.2); short protein forms P118S.
Identifiers: ClinVar variation 840583 (VCV000840583.10), dbSNP rs202080282, ClinGen allele CA8622725.

ClinVar aggregate classification (germline): Uncertain significance (1 of 4 stars; one submission).

Conditions:
Atrial fibrillation, familial, 18 (ATFB18). Identifiers: MedGen C4310636, MONDO:0015001, OMIM 617280.

Allele frequency attached by ClinVar (database versions not stated): gnomAD 0.00001; TOPMed 0.00001; ExAC 0.00004; gnomAD exomes 0.00004; 1000 Genomes Project 0.00020; 1000 Genomes Project 30x 0.00031.
gnomAD v4.1: 9 of 1,614,038 alleles (0.00056%); highest among the groups gnomAD compares: East Asian, 0.018%; no homozygotes.

Submission:

Labcorp Genetics (formerly Invitae), Labcorp
Classification: Uncertain significance for Atrial fibrillation, familial, 18. Last evaluated: 2023-10-03. Review status: criteria provided, single submitter. Criteria: Invitae Variant Classification Sherloc (09022015). Collection method: clinical testing. Allele origin: germline.
Comment: This sequence change replaces proline, which is neutral and non-polar, with serine, which is neutral and polar, at codon 118 of the MYL4 protein (p.Pro118Ser). This variant is present in population databases (rs202080282, gnomAD 0.04%). This variant has not been reported in the literature in individuals affected with MYL4-related conditions. ClinVar contains an entry for this variant (Variation ID: 840583). An algorithm developed to predict the effect of missense changes on protein structure and function (PolyPhen-2) suggests that this variant is likely to be disruptive. Algorithms developed to predict the effect of sequence changes on RNA splicing suggest that this variant may create or strengthen a splice site. In summary, the available evidence is currently insufficient to determine the role of this variant in disease. Therefore, it has been classified as a Variant of Uncertain Significance.